The following is an entry in ClinVar:

ClinVar aggregate classification (germline): Likely benign (1 of 4 stars; one submission).

Conditions:
Breast-ovarian cancer, familial, susceptibility to, 1 (BROVCA1). Also called: OVARIAN CANCER, SUSCEPTIBILITY TO; BRCA1 Hereditary Breast and Ovarian Cancer. Identifiers: Orphanet 145, MedGen C2676676, MONDO:0011450, OMIM 604370. Disease mechanism: loss of function.

gnomAD v4.1: 1 of 1,613,612 alleles (0.000062%); highest among the groups gnomAD compares: South Asian, 0.0011%; no homozygotes.

Submission:

Cancer Bioinformatics and Tumour Evolution Laboratory, Monash University
Classification: Likely benign for Breast-ovarian cancer, familial, susceptibility to, 1. Last evaluated: 2026-05-01. Review status: criteria provided, single submitter. Criteria: ClinGen BRCA1 and BRCA2 Guidelines, 2024. Collection method: curation. Allele origin: germline. Inheritance: Autosomal dominant inheritance.
Comment: Missense variant outside of a functional domain with no splice impact. BRCA1 and BRCA2 VCEP guidelines recommend application of BP1_Strong (PMID: 39142283)

NM_007294.4(BRCA1):c.2572C>G (p.Gln858Glu)

Gene: BRCA1 (BRCA1 DNA repair associated; minus strand). Cytogenetic location: 17q21.31.
Variant type: single nucleotide variant.
Coding change: c.2572C>G on transcript NM_007294.4 (MANE Select); coding-DNA position 2572, C replaced by G.
Protein change: p.Gln858Glu; replaces glutamine 858 with glutamic acid.
Molecular consequence: missense variant. On other transcripts: intron variant (137).
Genome position (GRCh38, 1-based): chr17:43,092,959, G>C on the plus strand (C>G on the coding strand, the complement: BRCA1 is on the minus strand). VCF-style: chr17-43092959-G-C. GRCh37 (hg19) VCF-style: chr17-41244976-G-C.
Other names: c.2572C>G, p.Gln858Glu (NM_001407597.1, NM_001407598.1, NM_001407602.1 and 30 more transcripts); c.2569C>G, p.Gln857Glu (NM_001407610.1, NM_001407611.1, NM_001407612.1 and 22 more transcripts); c.577+1785C>G (NM_001408480.1, NM_001408492.1, NM_001408513.1 and 9 more transcripts); c.778+1785C>G (NM_001408408.1); c.661+1785C>G (NM_001408446.1, NM_001408435.1, NM_001408448.1 and 6 more transcripts); c.784+1785C>G (NM_001408401.1, NM_001408396.1, NM_001407985.1 and 13 more transcripts); c.548-1927C>G (NM_001408494.1); c.664+1785C>G (NM_001408444.1, NM_001408438.1, NM_001408430.1 and 12 more transcripts); and 41 more; short protein forms Q562E, Q690E, Q730E, Q731E, Q746E, Q747E, Q769E, Q770E.
Identifiers: ClinVar variation 4856527 (VCV004856527.1).